The following is an entry in ClinVar:

NM_004415.4(DSP):c.6403G>C (p.Val2135Leu)

Gene: DSP (desmoplakin; plus strand). Cytogenetic location: 6p24.3.
Variant type: single nucleotide variant.
Coding change: c.6403G>C on transcript NM_004415.4 (MANE Select); coding-DNA position 6403, G replaced by C.
Protein change: p.Val2135Leu; replaces valine 2135 with leucine.
Molecular consequence: missense variant.
Genome position (GRCh38, 1-based): chr6:7,583,665, G>C. VCF-style: chr6-7583665-G-C. GRCh37 (hg19) VCF-style: chr6-7583898-G-C.
Other names: c.4606G>C, p.Val1536Leu (NM_001008844.3); c.5074G>C, p.Val1692Leu (NM_001319034.2); short protein forms V2135L, V1536L, V1692L.
Identifiers: ClinVar variation 3273890 (VCV003273890.1).

ClinVar aggregate classification (germline): Uncertain significance (1 of 4 stars; one submission).

Conditions:
Cardiovascular phenotype. Identifiers: MedGen CN230736.

Submission:

Ambry Genetics
Classification: Uncertain significance for Cardiovascular phenotype. Last evaluated: 2024-04-08. Review status: criteria provided, single submitter. Criteria: Ambry Variant Classification Scheme 2023. Collection method: clinical testing. Allele origin: germline.
Comment: The p.V2135L variant (also known as c.6403G>C), located in coding exon 24 of the DSP gene, results from a G to C substitution at nucleotide position 6403. The valine at codon 2135 is replaced by leucine, an amino acid with highly similar properties. This amino acid position is conserved. In addition, this alteration is predicted to be tolerated by in silico analysis. Based on the available evidence, the clinical significance of this variant remains unclear.